The following is an entry in ClinVar:

NM_001170535.3(ATAD3A):c.515C>A (p.Ala172Asp)

Gene: ATAD3A (ATPase family AAA domain containing 3A; plus strand). Cytogenetic location: 1p36.33.
Variant type: single nucleotide variant.
Coding change: c.515C>A on transcript NM_001170535.3 (MANE Select); coding-DNA position 515, C replaced by A.
Protein change: p.Ala172Asp; replaces alanine 172 with aspartic acid.
Molecular consequence: missense variant.
Genome position (GRCh38, 1-based): chr1:1,520,141, C>A. VCF-style: chr1-1520141-C-A. GRCh37 (hg19) VCF-style: chr1-1455521-C-A.
Other names: c.278C>A, p.Ala93Asp (NM_001170536.3); c.659C>A, p.Ala220Asp (NM_018188.5); short protein forms A172D, A220D, A93D.
Identifiers: ClinVar variation 4529933 (VCV004529933.1).

ClinVar aggregate classification (germline): Uncertain significance (1 of 4 stars; one submission).

gnomAD v4.1: 1 of 1,609,546 alleles (0.000062%); highest among the groups gnomAD compares: African/African-American, 0.0013%; no homozygotes.

Submission:

GeneDx
Classification: Uncertain significance. Last evaluated: 2025-05-14. Review status: criteria provided, single submitter. Criteria: GeneDx Variant Classification Process June 2021. Collection method: clinical testing. Allele origin: germline. Affected: yes.
Comment: Not observed at significant frequency in large population cohorts (gnomAD); In silico analysis supports that this missense variant has a deleterious effect on protein structure/function; Has not been previously published as pathogenic or benign to our knowledge